The following is an entry in ClinVar:

NM_000287.4(PEX6):c.296G>T (p.Arg99Leu)

Gene: PEX6 (peroxisomal biogenesis factor 6; minus strand). Cytogenetic location: 6p21.1.
Variant type: single nucleotide variant.
Coding change: c.296G>T on transcript NM_000287.4 (MANE Select); coding-DNA position 296, G replaced by T.
Protein change: p.Arg99Leu; replaces arginine 99 with leucine.
Molecular consequence: missense variant. On other transcripts: non-coding transcript variant (1).
Genome position (GRCh38, 1-based): chr6:42,978,855, C>A on the plus strand (G>T on the coding strand, the complement: PEX6 is on the minus strand). VCF-style: chr6-42978855-C-A. GRCh37 (hg19) VCF-style: chr6-42946593-C-A.
Other names: c.296G>T, p.Arg99Leu (NM_001316313.2); short protein forms R99L.
Identifiers: ClinVar variation 224320 (VCV000224320.2), dbSNP rs886037781, ClinGen allele CA10575899.
Genomic context (GRCh38, chr6:42,978,855, plus strand): 5'-CGCGGTCCGAGCCCAGGCCCCAGCGAGGTGCCAAGCAGTGCCCAACCTAGCGCCGGGGGC[C>A]GCCGCACCGCCCGCGCCCGCACCCAGGCCCCGGAGCCCAGTGCCAGGAGCCGCAGCAGCG-3'
Protein context (NP_000278.3, residues 89-109): GAWVRARAVR[Arg99Leu]PPALGWALLG

ClinVar aggregate classification (germline): Pathogenic (1 of 4 stars; one submission).

Conditions:
Heimler syndrome 2 (HMLR2). Also called: PEROXISOME BIOGENESIS DISORDER 4C. Identifiers: Orphanet 3220, MedGen C4225267, OMIM 616617, MONDO:0014709.

Submission:

Leeds Amelogenesis Imperfecta Research Group, University of Leeds
Classification: Pathogenic for Heimler syndrome 2. Last evaluated: 2015-10-01. Review status: criteria provided, single submitter. Criteria: Submitter's publication. Collection method: research. Allele origin: germline. Affected: yes.
Comment: Newly identified